The following is an entry in ClinVar:

ClinVar aggregate classification (germline): Uncertain significance (1 of 4 stars; one submission).

Conditions:
Cystic fibrosis (CF). Also called: MUCOVISCIDOSIS. Identifiers: Orphanet 586, MedGen C0010674, MONDO:0009061, OMIM 219700. Disease mechanism: loss of function.

Submission:

Labcorp Genetics (formerly Invitae), Labcorp
Classification: Uncertain significance for Cystic fibrosis. Last evaluated: 2022-03-01. Review status: criteria provided, single submitter. Criteria: Invitae Variant Classification Sherloc (09022015). Collection method: clinical testing. Allele origin: germline.
Comment: This sequence change replaces serine, which is neutral and polar, with isoleucine, which is neutral and non-polar, at codon 176 of the CFTR protein (p.Ser176Ile). This variant is not present in population databases (gnomAD no frequency). This variant has not been reported in the literature in individuals affected with CFTR-related conditions. Algorithms developed to predict the effect of missense changes on protein structure and function are either unavailable or do not agree on the potential impact of this missense change (SIFT: "Tolerated"; PolyPhen-2: "Possibly Damaging"; Align-GVGD: "Class C0"). In summary, the available evidence is currently insufficient to determine the role of this variant in disease. Therefore, it has been classified as a Variant of Uncertain Significance.

NM_000492.4(CFTR):c.527G>T (p.Ser176Ile)

Gene: CFTR (CF transmembrane conductance regulator; plus strand). Cytogenetic location: 7q31.2.
Variant type: single nucleotide variant.
Coding change: c.527G>T on transcript NM_000492.4 (MANE Select); coding-DNA position 527, G replaced by T.
Protein change: p.Ser176Ile; replaces serine 176 with isoleucine.
Molecular consequence: missense variant.
Genome position (GRCh38, 1-based): chr7:117,534,313, G>T. VCF-style: chr7-117534313-G-T. GRCh37 (hg19) VCF-style: chr7-117174367-G-T.
Other names: short protein forms S176I.
Identifiers: ClinVar variation 1949142 (VCV001949142.2), dbSNP rs762849766, ClinGen allele CA368976461.